The following is an entry in ClinVar:

NM_031443.4(CCM2):c.526G>A (p.Gly176Ser)

Gene: CCM2 (CCM2 scaffold protein; plus strand). Cytogenetic location: 7p13.
Variant type: single nucleotide variant.
Coding change: c.526G>A on transcript NM_031443.4 (MANE Select); coding-DNA position 526, G replaced by A.
Protein change: p.Gly176Ser; replaces glycine 176 with serine.
Molecular consequence: missense variant. On other transcripts: non-coding transcript variant (1), intron variant (1).
Genome position (GRCh38, 1-based): chr7:45,068,496, G>A. VCF-style: chr7-45068496-G-A. GRCh37 (hg19) VCF-style: chr7-45108095-G-A.
Other names: c.589G>A, p.Gly197Ser (NM_001029835.2); c.352G>A, p.Gly118Ser (NM_001167934.2, NM_001363459.2); c.526G>A, p.Gly176Ser (NM_001363458.2); c.472+3850G>A (NM_001167935.2); short protein forms G176S, G197S, G118S.
Identifiers: ClinVar variation 1377272 (VCV001377272.6), dbSNP rs2128749861, ClinGen allele CA367430312.

ClinVar aggregate classification (germline): Uncertain significance (1 of 4 stars; one submission).

Conditions:
Cerebral cavernous malformation 2. Also called: Familial Cerebral Cavernous Malformation 2. Identifiers: Orphanet 221061, MedGen C1864041, MONDO:0011304, OMIM 603284.

Submission:

Labcorp Genetics (formerly Invitae), Labcorp
Classification: Uncertain significance for Cerebral cavernous malformation 2. Last evaluated: 2021-08-23. Review status: criteria provided, single submitter. Criteria: Invitae Variant Classification Sherloc (09022015). Collection method: clinical testing. Allele origin: germline.
Comment: This variant has not been reported in the literature in individuals affected with CCM2-related conditions. This variant is not present in population databases (ExAC no frequency). This sequence change replaces glycine with serine at codon 176 of the CCM2 protein (p.Gly176Ser). The glycine residue is moderately conserved and there is a small physicochemical difference between glycine and serine. Algorithms developed to predict the effect of missense changes on protein structure and function (SIFT, PolyPhen-2, Align-GVGD) all suggest that this variant is likely to be tolerated. In summary, the available evidence is currently insufficient to determine the role of this variant in disease. Therefore, it has been classified as a Variant of Uncertain Significance.